The following is an entry in ClinVar:

NC_000001.11:g.12893120T>C

Genes: PRAMEF10 (PRAME family member 10; minus strand), PRAMEF33 (PRAME family member 33; plus strand). Cytogenetic location: 1p36.21.
Variant type: single nucleotide variant.
Molecular consequence: synonymous variant (on NM_001039361.4).
Genome position: GRCh38 VCF-style: chr1-12893120-T-C. GRCh37 (hg19) VCF-style: chr1-12952951-T-C.
Other names: c.1221A>G, p.Leu407= (NM_001039361.4).
Identifiers: ClinVar variation 3388428 (VCV003388428.14).

ClinVar aggregate classification (germline): Likely benign (1 of 4 stars; one submission).

Submission:

CeGaT Center for Human Genetics Tuebingen
Classification: Likely benign. Last evaluated: 2024-09-01. Review status: criteria provided, single submitter. Criteria: CeGaT Center For Human Genetics Tuebingen Variant Classification Criteria Version 2. Collection method: clinical testing. Allele origin: germline. Affected: yes. Observed: 1 variant allele.
Comment: PRAMEF33: PM2:Supporting, BP4, BP7